The following is an entry in ClinVar:

NM_152281.3(GORAB):c.139C>T (p.Gln47Ter)

Gene: GORAB (golgin, RAB6 interacting; plus strand). Cytogenetic location: 1q24.2.
Variant type: single nucleotide variant.
Coding change: c.139C>T on transcript NM_152281.3 (MANE Select); coding-DNA position 139, C replaced by T.
Protein change: p.Gln47Ter; replaces glutamine 47 with a stop codon.
Molecular consequence: nonsense. On other transcripts: non-coding transcript variant (1), 5 prime UTR variant (1).
Genome position (GRCh38, 1-based): chr1:170,539,287, C>T. VCF-style: chr1-170539287-C-T. GRCh37 (hg19) VCF-style: chr1-170508428-C-T.
Other names: c.139C>T, p.Gln47Ter (NM_001146039.2); c.-327C>T (NM_001320252.2); c.88C>T, p.Gln30Ter (NM_001410894.1); short protein forms Q30*, Q47*.
Identifiers: ClinVar variation 2816721 (VCV002816721.3), dbSNP rs1172775558, ClinGen allele CA343161944.

ClinVar aggregate classification (germline): Pathogenic (1 of 4 stars; one submission).

Submission:

Labcorp Genetics (formerly Invitae), Labcorp
Classification: Pathogenic. Last evaluated: 2022-11-25. Review status: criteria provided, single submitter. Criteria: Invitae Variant Classification Sherloc (09022015). Collection method: clinical testing. Allele origin: germline.
Comment: For these reasons, this variant has been classified as Pathogenic. This variant has not been reported in the literature in individuals affected with GORAB-related conditions. This variant is not present in population databases (gnomAD no frequency). This sequence change creates a premature translational stop signal (p.Gln72*) in the GORAB gene. It is expected to result in an absent or disrupted protein product. Loss-of-function variants in GORAB are known to be pathogenic (PMID: 18997784, 19681135).

Literature cited by the submitters: PubMed 18997784; PubMed 19681135.